The following is an entry in ClinVar:

NM_003611.3(OFD1):c.569G>A (p.Arg190His)

Gene: OFD1 (OFD1 centriole and centriolar satellite protein; plus strand). Cytogenetic location: Xp22.2.
Variant type: single nucleotide variant.
Coding change: c.569G>A on transcript NM_003611.3 (MANE Select); coding-DNA position 569, G replaced by A.
Protein change: p.Arg190His; replaces arginine 190 with histidine.
Molecular consequence: missense variant.
Genome position (GRCh38, 1-based): chrX:13,746,370, G>A. VCF-style: chrX-13746370-G-A. GRCh37 (hg19) VCF-style: chrX-13764489-G-A.
Other names: c.569G>A, p.Arg190His (NM_001330209.2); c.149G>A, p.Arg50His (NM_001330210.2); short protein forms R50H, R190H.
Identifiers: ClinVar variation 704421 (VCV000704421.13), dbSNP rs150560046, ClinGen allele CA10351646.

ClinVar aggregate classification (germline): Conflicting classifications of pathogenicity. Review status: criteria provided, conflicting classifications (1 of 4 stars). 2 submissions from 2 submitters: Uncertain significance (1); Benign (1). Last evaluated 2023-11-15.

Conditions:
Joubert syndrome. Also called: JOUBERT-BOLTSHAUSER SYNDROME; Familial aplasia of the vermis. Identifiers: Orphanet 475, MedGen C5979921, MONDO:0018772.
Orofaciodigital syndrome I (OFD1). Also called: Oral-Facial-Digital Syndrome Type I; OFDS I; Papillon-Leage and Psaume Syndrome. Identifiers: Orphanet 2750, MedGen C1510460, MONDO:0010702, OMIM 311200.
Primary ciliary dyskinesia. Also called: Ciliary dyskinesia. Identifiers: Orphanet 244, MedGen C0008780, MONDO:0016575, HP:0012265.

Allele frequency attached by ClinVar (database versions not stated): gnomAD 0.00001; TOPMed 0.00001; ExAC 0.00002; gnomAD exomes 0.00002 and 0.00003; ESP Exome Variant Server 0.00009.
gnomAD v4.1: 29 of 1,202,300 alleles (0.0024%); highest among the groups gnomAD compares: South Asian, 0.0035%; no homozygotes.

Submissions (2):

Labcorp Genetics (formerly Invitae), Labcorp
Classification: Benign for Orofaciodigital syndrome I; Joubert syndrome. Last evaluated: 2023-11-15. Review status: criteria provided, single submitter. Criteria: Invitae Variant Classification Sherloc (09022015). Collection method: clinical testing. Allele origin: germline.

Ambry Genetics
Classification: Uncertain significance for Primary ciliary dyskinesia. Last evaluated: 2019-09-17. Review status: criteria provided, single submitter. Criteria: Ambry Variant Classification Scheme 2023. Collection method: clinical testing. Allele origin: germline.
Comment: The p.R190H variant (also known as c.569G>A), located in coding exon 7 of the OFD1 gene, results from a G to A substitution at nucleotide position 569. The arginine at codon 190 is replaced by histidine, an amino acid with highly similar properties. This amino acid position is not conserved and histidine is a reference amino acid in several species. In addition, this alteration is predicted to be tolerated by in silico analysis. Since supporting evidence is limited at this time, the clinical significance of this alteration remains unclear.